The following is an entry in ClinVar:

NM_025099.6(CTC1):c.2537C>T (p.Ala846Val)

Gene: CTC1 (CST telomere replication complex component 1; minus strand). Cytogenetic location: 17p13.1.
Variant type: single nucleotide variant.
Coding change: c.2537C>T on transcript NM_025099.6 (MANE Select); coding-DNA position 2537, C replaced by T.
Protein change: p.Ala846Val; replaces alanine 846 with valine.
Molecular consequence: missense variant. On other transcripts: non-coding transcript variant (1).
Genome position (GRCh38, 1-based): chr17:8,231,408, G>A on the plus strand (C>T on the coding strand, the complement: CTC1 is on the minus strand). VCF-style: chr17-8231408-G-A. GRCh37 (hg19) VCF-style: chr17-8134726-G-A.
Other names: c.2537C>T, p.Ala846Val (NM_001411067.1); short protein forms A846V.
Identifiers: ClinVar variation 2141737 (VCV002141737.4), dbSNP rs2507890767, ClinGen allele CA397976066.

ClinVar aggregate classification (germline): Uncertain significance (1 of 4 stars; one submission).

Conditions:
Dyskeratosis congenita. Identifiers: Orphanet 1775, MedGen C0265965, MONDO:0015780.

Submission:

Labcorp Genetics (formerly Invitae), Labcorp
Classification: Uncertain significance for Dyskeratosis congenita. Last evaluated: 2022-06-04. Review status: criteria provided, single submitter. Criteria: Invitae Variant Classification Sherloc (09022015). Collection method: clinical testing. Allele origin: germline.
Comment: This sequence change replaces alanine, which is neutral and non-polar, with valine, which is neutral and non-polar, at codon 846 of the CTC1 protein (p.Ala846Val). This variant is not present in population databases (gnomAD no frequency). This variant has not been reported in the literature in individuals affected with CTC1-related conditions. Algorithms developed to predict the effect of missense changes on protein structure and function are either unavailable or do not agree on the potential impact of this missense change (SIFT: "Deleterious"; PolyPhen-2: "Possibly Damaging"; Align-GVGD: "Class C0"). In summary, the available evidence is currently insufficient to determine the role of this variant in disease. Therefore, it has been classified as a Variant of Uncertain Significance.